The following is an entry in ClinVar:

ClinVar aggregate classification (germline): Uncertain significance (1 of 4 stars; one submission).

Conditions:
Intellectual developmental disorder, autosomal dominant 6, with or without seizures. Also called: GRIN2B-related developmental delay, intellectual disability and autism spectrum disorder; Intellectual disability, autosomal dominant 6. Identifiers: Orphanet 589547, MedGen C3151411, MONDO:0013509, OMIM 613970.
Developmental and epileptic encephalopathy, 27 (DEE27). Also called: Epileptic encephalopathy, early infantile, 27; GRIN2B-Related Neurodevelopmental Disorder. Identifiers: Orphanet 3451, MedGen C4015316, MONDO:0014505, OMIM 616139.

Submission:

Labcorp Genetics (formerly Invitae), Labcorp
Classification: Uncertain significance for Developmental and epileptic encephalopathy, 27; Intellectual developmental disorder, autosomal dominant 6, with or without seizures. Last evaluated: 2023-01-26. Review status: criteria provided, single submitter. Criteria: Invitae Variant Classification Sherloc (09022015). Collection method: clinical testing. Allele origin: germline.
Comment: This sequence change replaces methionine, which is neutral and non-polar, with isoleucine, which is neutral and non-polar, at codon 503 of the GRIN2B protein (p.Met503Ile). This variant is not present in population databases (gnomAD no frequency). This variant has not been reported in the literature in individuals affected with GRIN2B-related conditions. Advanced modeling of protein sequence and biophysical properties (such as structural, functional, and spatial information, amino acid conservation, physicochemical variation, residue mobility, and thermodynamic stability) performed at Invitae indicates that this missense variant is not expected to disrupt GRIN2B protein function. In summary, the available evidence is currently insufficient to determine the role of this variant in disease. Therefore, it has been classified as a Variant of Uncertain Significance.

NM_000834.5(GRIN2B):c.1509G>A (p.Met503Ile)

Gene: GRIN2B (glutamate ionotropic receptor NMDA type subunit 2B; minus strand). Cytogenetic location: 12p13.1.
Variant type: single nucleotide variant.
Coding change: c.1509G>A on transcript NM_000834.5 (MANE Select); coding-DNA position 1509, G replaced by A.
Protein change: p.Met503Ile; replaces methionine 503 with isoleucine.
Molecular consequence: missense variant.
Genome position (GRCh38, 1-based): chr12:13,615,259, C>T on the plus strand (G>A on the coding strand, the complement: GRIN2B is on the minus strand). VCF-style: chr12-13615259-C-T. GRCh37 (hg19) VCF-style: chr12-13768193-C-T.
Other names: c.1509G>A, p.Met503Ile (NM_001413992.1); short protein forms M503I.
Identifiers: ClinVar variation 2939828 (VCV002939828.3), dbSNP rs2497598295, ClinGen allele CA384051993.